The following is an entry in ClinVar:

NM_016239.4(MYO15A):c.5777G>A (p.Arg1926His)

Gene: MYO15A (myosin XVA; plus strand). Cytogenetic location: 17p11.2.
Variant type: single nucleotide variant.
Coding change: c.5777G>A on transcript NM_016239.4 (MANE Select); coding-DNA position 5777, G replaced by A.
Protein change: p.Arg1926His; replaces arginine 1926 with histidine.
Molecular consequence: missense variant.
Genome position (GRCh38, 1-based): chr17:18,142,206, G>A. VCF-style: chr17-18142206-G-A. GRCh37 (hg19) VCF-style: chr17-18045520-G-A.
Other names: short protein forms R1926H.
Identifiers: ClinVar variation 1027552 (VCV001027552.11), dbSNP rs199734245, ClinGen allele CA8424392.

ClinVar aggregate classification (germline): Uncertain significance. Review status: criteria provided, multiple submitters, no conflicts (2 of 4 stars). 3 submissions from 3 submitters: Uncertain significance (3). Last evaluated 2024-10-22.

Conditions:
Childhood onset hearing loss.

Allele frequency attached by ClinVar (database versions not stated): gnomAD exomes 0.00004 and 0.00006; ExAC 0.00005; TOPMed 0.00008; gnomAD 0.00013; 1000 Genomes Project 0.00040; 1000 Genomes Project 30x 0.00047.
gnomAD v4.1: 109 of 1,613,544 alleles (0.0068%); highest among the groups gnomAD compares: African/African-American, 0.021%; no homozygotes.

Submissions (3):

Labcorp Genetics (formerly Invitae), Labcorp
Classification: Uncertain significance. Last evaluated: 2024-10-22. Review status: criteria provided, single submitter. Criteria: Invitae Variant Classification Sherloc (09022015). Collection method: clinical testing. Allele origin: germline.
Comment: This sequence change replaces arginine, which is basic and polar, with histidine, which is basic and polar, at codon 1926 of the MYO15A protein (p.Arg1926His). This variant is present in population databases (rs199734245, gnomAD 0.02%). This missense change has been observed in individual(s) with deafness (PMID: 34837038). ClinVar contains an entry for this variant (Variation ID: 1027552). Invitae Evidence Modeling of protein sequence and biophysical properties (such as structural, functional, and spatial information, amino acid conservation, physicochemical variation, residue mobility, and thermodynamic stability) has been performed for this missense variant. However, the output from this modeling did not meet the statistical confidence thresholds required to predict the impact of this variant on MYO15A protein function. In summary, the available evidence is currently insufficient to determine the role of this variant in disease. Therefore, it has been classified as a Variant of Uncertain Significance.

Women's Health and Genetics/Laboratory Corporation of America, LabCorp
Classification: Uncertain significance. Last evaluated: 2024-03-15. Review status: criteria provided, single submitter. Criteria: LabCorp Variant Classification Summary - May 2015. Collection method: clinical testing. Allele origin: germline.
Comment: Variant summary: MYO15A c.5777G>A (p.Arg1926His) results in a non-conservative amino acid change in the encoded protein sequence. Five of five in-silico tools predict a damaging effect of the variant on protein function. The variant allele was found at a frequency of 4.4e-05 in 248898 control chromosomes. This frequency does not allow conclusion about variant significance. c.5777G>A has been reported in the literature in individuals affected with Autosomal Recessive Nonsyndromic Hearing Loss. These report(s) do not provide unequivocal conclusions about association of the variant with Autosomal Recessive Nonsyndromic Hearing Loss 3. To our knowledge, no experimental evidence demonstrating an impact on protein function has been reported. The following publication have been ascertained in the context of this evaluation (PMID: 34837038). ClinVar contains an entry for this variant (Variation ID: 1027552). Based on the evidence outlined above, the variant was classified as uncertain significance.

National Institute on Deafness and Communication Disorders, National Institutes of Health
Classification: Uncertain significance for Childhood onset hearing loss. Last evaluated: 2021-07-08. Review status: criteria provided, single submitter. Criteria: ClinGen HL ACMG Specifications v1. Collection method: research. Allele origin: germline. Inheritance: Autosomal recessive inheritance. Affected: yes. Observed: 1 heterozygote. Segregation with disease not observed.
Comment: PM2_supporting, PP3 / Modifications from PMID: 30311386 for classification: The genetic causes of hearing loss have not yet been well characterized in the Yoruba population, and the information regarding variant MAF in this population is still limited, so we did not exclude any variant based on their "high" MAF. PP3 criteria was applied even if the REVEL score was below 0.7, if at least two of the pathogenicity prediction algorithms used predicted that the variant was damaging or likely damaging.

was found associated with NM_016239.4:c.4888C>T

Literature cited by the submitters: PubMed 34837038 (cited by Labcorp Genetics (formerly Invitae), Labcorp and Women's Health and Genetics/Laboratory Corporation of America, LabCorp).